The following is an entry in ClinVar:

ClinVar aggregate classification (germline): Uncertain significance (1 of 4 stars; one submission).

Allele frequency attached by ClinVar (database versions not stated): gnomAD exomes below 0.00001.
gnomAD v4.1: 1 of 1,600,842 alleles (0.000062%); highest among the groups gnomAD compares: Non-Finnish European, 0.000086%; no homozygotes.

Submission:

CeGaT Center for Human Genetics Tuebingen
Classification: Uncertain significance. Last evaluated: 2022-03-01. Review status: criteria provided, single submitter. Criteria: CeGaT Center For Human Genetics Tuebingen Variant Classification Criteria Version 2. Collection method: clinical testing. Allele origin: germline. Affected: yes. Observed: 1 variant allele.
Comment: COG4: PM2

NM_015386.3(COG4):c.1295T>C (p.Met432Thr)

Gene: COG4 (component of oligomeric golgi complex 4; minus strand). Cytogenetic location: 16q22.1.
Variant type: single nucleotide variant.
Coding change: c.1295T>C on transcript NM_015386.3 (MANE Select); coding-DNA position 1295, T replaced by C.
Protein change: p.Met432Thr; replaces methionine 432 with threonine.
Molecular consequence: missense variant. On other transcripts: non-coding transcript variant (1).
Genome position (GRCh38, 1-based): chr16:70,497,956, A>G on the plus strand (T>C on the coding strand, the complement: COG4 is on the minus strand). VCF-style: chr16-70497956-A-G. GRCh37 (hg19) VCF-style: chr16-70531859-A-G.
Other names: c.1283T>C, p.Met428Thr (NM_001195139.2); c.869T>C, p.Met290Thr (NM_001365426.1); short protein forms M290T, M428T, M432T.
Identifiers: ClinVar variation 2646682 (VCV002646682.24), dbSNP rs2507504247, ClinGen allele CA396573890.